The following is an entry in ClinVar:

ClinVar aggregate classification (germline): Conflicting classifications of pathogenicity. Review status: criteria provided, conflicting classifications (1 of 4 stars). 3 submissions from 3 submitters: Uncertain significance (2); Likely benign (1). Last evaluated 2026-01-15.

Conditions:
Hereditary cancer-predisposing syndrome. Also called: Neoplastic Syndromes, Hereditary; Hereditary neoplastic syndrome; Hereditary Cancer Syndrome; Tumor predisposition. Identifiers: Orphanet 140162, MedGen C0027672, MeSH D009386, MONDO:0015356.
Gorlin syndrome. Also called: Nevoid Basal Cell Carcinoma Syndrome; Basal cell nevus syndrome. Identifiers: Orphanet 377, MedGen C0004779, MONDO:0007187.

Allele frequency attached by ClinVar (database versions not stated): gnomAD exomes below 0.00001 and 0.00002; TOPMed below 0.00001; ExAC 0.00002.
gnomAD v4.1: 5 of 1,614,134 alleles (0.00031%); highest among the groups gnomAD compares: Admixed American, 0.0067%; no homozygotes.

Submissions (3):

Labcorp Genetics (formerly Invitae), Labcorp
Classification: Uncertain significance for Gorlin syndrome. Last evaluated: 2026-01-15. Review status: criteria provided, single submitter. Criteria: Invitae Variant Classification Sherloc (09022015). Collection method: clinical testing. Allele origin: germline.
Comment: This sequence change replaces serine, which is neutral and polar, with asparagine, which is neutral and polar, at codon 356 of the PTCH1 protein (p.Ser356Asn). This variant also falls at the last nucleotide of exon 7, which is part of the consensus splice site for this exon. This variant is present in population databases (rs764579762, gnomAD 0.01%). This variant has not been reported in the literature in individuals affected with PTCH1-related conditions. ClinVar contains an entry for this variant (Variation ID: 658562). Invitae Evidence Modeling of protein sequence and biophysical properties (such as structural, functional, and spatial information, amino acid conservation, physicochemical variation, residue mobility, and thermodynamic stability) has been performed for this missense variant. However, the output from this modeling did not meet the statistical confidence thresholds required to predict the impact of this variant on PTCH1 protein function. Variants that disrupt the consensus splice site are a relatively common cause of aberrant splicing (PMID: 17576681, 9536098). Studies have shown that this missense change is associated with inconclusive levels of altered splicing (internal data). In summary, the available evidence is currently insufficient to determine the role of this variant in disease. Therefore, it has been classified as a Variant of Uncertain Significance.

Quest Diagnostics Nichols Institute San Juan Capistrano
Classification: Uncertain significance. Last evaluated: 2022-06-23. Review status: criteria provided, single submitter. Criteria: Quest Diagnostics criteria. Collection method: clinical testing. Allele origin: unknown.
Comment: To the best of our knowledge, this variant has not been reported in individuals with PTCH1-rleated conditions in the published literature. The frequency of this variant in the general population, 0.00014 (5/34592 chromosomes in Latino/Admixed American subpopulation (Genome Aggregation Database)), is higher than would generally be expected for pathogenic variants in this gene. Analysis of this variant using bioinformatics tools for the prediction of the effect of amino acid changes on protein structure and function yielded conflicting predictions that this variant is deleterious or benign. Based on the available information, we are unable to determine the clinical significance of this variant.

Ambry Genetics
Classification: Likely benign for Hereditary cancer-predisposing syndrome. Last evaluated: 2021-06-03. Review status: criteria provided, single submitter. Criteria: Ambry Variant Classification Scheme 2023. Collection method: clinical testing. Allele origin: germline.

Literature cited by the submitters: PubMed 17576681 (cited by Labcorp Genetics (formerly Invitae), Labcorp); PubMed 9536098 (cited by Labcorp Genetics (formerly Invitae), Labcorp).

NM_000264.5(PTCH1):c.1067G>A (p.Ser356Asn)

Gene: PTCH1 (patched 1; minus strand). Cytogenetic location: 9q22.32.
Variant type: single nucleotide variant.
Coding change: c.1067G>A on transcript NM_000264.5 (MANE Select); coding-DNA position 1067, G replaced by A.
Protein change: p.Ser356Asn; replaces serine 356 with asparagine.
Molecular consequence: missense variant. On other transcripts: non-coding transcript variant (1).
Genome position (GRCh38, 1-based): chr9:95,479,969, C>T on the plus strand (G>A on the coding strand, the complement: PTCH1 is on the minus strand). VCF-style: chr9-95479969-C-T. GRCh37 (hg19) VCF-style: chr9-98242251-C-T.
Other names: c.869G>A, p.Ser290Asn (NM_001083602.3); c.1064G>A, p.Ser355Asn (NM_001083603.3); c.614G>A, p.Ser205Asn (NM_001083604.3, NM_001083605.3, NM_001083606.3 and 1 more transcripts); c.1067G>A, p.Ser356Asn (NM_001354918.2); c.1067G>A (NM_000264.4); short protein forms S356N, S205N, S290N, S355N.
Identifiers: ClinVar variation 658562 (VCV000658562.14), dbSNP rs764579762, ClinGen allele CA5138780.